The following is an entry in ClinVar:

NM_001378969.1(KCND3):c.1171G>A (p.Gly391Ser)

Gene: KCND3 (potassium voltage-gated channel subfamily D member 3; minus strand). Cytogenetic location: 1p13.2.
Variant type: single nucleotide variant.
Coding change: c.1171G>A on transcript NM_001378969.1 (MANE Select); coding-DNA position 1171, G replaced by A.
Protein change: p.Gly391Ser; replaces glycine 391 with serine.
Molecular consequence: missense variant.
Genome position (GRCh38, 1-based): chr1:111,787,042, C>T on the plus strand (G>A on the coding strand, the complement: KCND3 is on the minus strand). VCF-style: chr1-111787042-C-T. GRCh37 (hg19) VCF-style: chr1-112329664-C-T.
Other names: c.1171G>A, p.Gly391Ser (NM_004980.5, NM_172198.3, NM_001378970.1); short protein forms G391S.
Identifiers: ClinVar variation 4282342 (VCV004282342.1).

ClinVar aggregate classification (germline): Uncertain significance (1 of 4 stars; one submission).

Submission:

GeneDx
Classification: Uncertain significance. Last evaluated: 2025-04-19. Review status: criteria provided, single submitter. Criteria: GeneDx Variant Classification Process June 2021. Collection method: clinical testing. Allele origin: germline. Affected: yes.
Comment: Not observed at significant frequency in large population cohorts (gnomAD); In silico analysis supports that this missense variant has a deleterious effect on protein structure/function; Has not been previously published as pathogenic or benign to our knowledge